The following is an entry in ClinVar:

NM_000057.4(BLM):c.3558+1G>T

Gene: BLM (BLM RecQ like helicase; plus strand). Cytogenetic location: 15q26.1.
Variant type: single nucleotide variant.
Coding change: c.3558+1G>T on transcript NM_000057.4 (MANE Select); the canonical splice donor site of the intron after coding-DNA position 3558, G replaced by T.
Molecular consequence: splice donor variant. On other transcripts: intron variant (1).
Genome position (GRCh38, 1-based): chr15:90,803,721, G>T. VCF-style: chr15-90803721-G-T. GRCh37 (hg19) VCF-style: chr15-91346951-G-T.
Other names: c.3558+1G>T (NM_001287246.2); c.2433+1G>T (NM_001287248.2); c.3358+5384G>T (NM_001287247.2).
Identifiers: ClinVar variation 220019 (VCV000220019.40), dbSNP rs148969222, ClinGen allele CA349695.
Genomic context (GRCh38, chr15:90,803,721, plus strand): 5'-GCGATCGCTTATGTGATGCTCGGAAATAAAGCCCAAACTGTACTAAATGGCAATTTAAAG[G>T]TATAGTATTTTTCATGTTTATTTTATTATCTCACAATGAGTGAACCAAAATATATTATTG-3'

ClinVar aggregate classification (germline): Pathogenic/Likely pathogenic. Review status: criteria provided, multiple submitters, no conflicts (2 of 4 stars). 14 submissions from 14 submitters: Pathogenic (6); Likely pathogenic (6). 2 of the submissions do not count toward it. Last evaluated 2025-12-21.

Conditions:
Hereditary cancer-predisposing syndrome. Also called: Tumor predisposition; Hereditary Cancer Syndrome; Hereditary neoplastic syndrome; Neoplastic Syndromes, Hereditary. Identifiers: Orphanet 140162, MedGen C0027672, MeSH D009386, MONDO:0015356.
Bloom syndrome (BLM). Also called: Bloom-Torre-Machacek syndrome. Identifiers: Orphanet 125, MedGen C0005859, MONDO:0008876, OMIM 210900.

Allele frequency attached by ClinVar (database versions not stated): ExAC 0.00002; gnomAD 0.00005 and 0.00006; TOPMed 0.00005; gnomAD exomes 0.00006; ESP Exome Variant Server 0.00008.
gnomAD v4.1: 94 of 1,613,596 alleles (0.0058%); highest among the groups gnomAD compares: Non-Finnish European, 0.0074%; no homozygotes.

Submissions (14):

Labcorp Genetics (formerly Invitae), Labcorp
Classification: Pathogenic for Bloom syndrome. Last evaluated: 2025-12-21. Review status: criteria provided, single submitter. Criteria: Invitae Variant Classification Sherloc (09022015). Collection method: clinical testing. Allele origin: germline.
Comment: This sequence change affects a donor splice site in intron 18 of the BLM gene. RNA analysis indicates that disruption of this splice site induces altered splicing and may result in an absent or altered protein product. This variant is present in population databases (rs148969222, gnomAD 0.008%). Disruption of this splice site has been observed in individuals with Bloom syndrome (PMID: 17407155; internal data). ClinVar contains an entry for this variant (Variation ID: 220019). Studies have shown that disruption of this splice site results in exon 18 skipping, and produces a non-functional protein and/or introduces a premature termination codon (internal data). For these reasons, this variant has been classified as Pathogenic.

Department of Clinical Genetics, Copenhagen University Hospital, Rigshospitalet
Classification: Likely pathogenic for Bloom syndrome. Last evaluated: 2025-11-18. Review status: criteria provided, single submitter. Criteria: ACMG Guidelines, 2015. Collection method: clinical testing. Allele origin: germline. Affected: yes.
Comment: The following ACMG criteria has been used: PVS1; PM3_SUP

Natera, Inc.
Classification: Pathogenic for Bloom syndrome. Last evaluated: 2025-11-18. Review status: criteria provided, single submitter. Criteria: Natera Variant Classification Schema (03/2026). Collection method: clinical testing. Allele origin: germline.
Comment: The c.3558+1G>T variant in BLM is a canonical splice donor site variant predicted to affect pre-mRNA splicing, which may result in an abnormal transcript and altered protein product. This variant is expected to result in nonsense mediated decay, truncation, or a dysfunctional protein product. This variant is rare in the general population with a frequency below the threshold expected for the associated phenotype(s). This variant has been observed in one or more individuals affected with the associated recessive disease, as either homozygous or compound heterozygous with a second variant (PMID: 34352413). Given the available evidence, this variant is classified as Pathogenic.

Women's Health and Genetics/Laboratory Corporation of America, LabCorp
Classification: Pathogenic for Bloom syndrome. Last evaluated: 2025-02-03. Review status: criteria provided, single submitter. Criteria: LabCorp Variant Classification Summary - May 2015. Collection method: clinical testing. Allele origin: germline.
Comment: Variant summary: BLM c.3558+1G>T is located in a canonical splice-site and is predicted to affect mRNA splicing resulting in a significantly altered protein due to either exon skipping, shortening, or inclusion of intronic material. Variants that disrupt the consensus splice site are a relatively common cause of aberrant splicing and loss of BLM function. Several computational tools predict a significant impact on normal splicing: Four predict the variant abolishes a canonical 5' splicing donor site. However, these predictions have yet to be confirmed by functional studies. The variant allele was found at a frequency of 2.4e-05 in 251084 control chromosomes (gnomAD). c.3558+1G>T has been reported in the literature in individuals effected with cancers including early-onset colorectal cancer or breast cancer (e.g. de Voer_2015, Kurian_2014). These data indicate that the variant is likely to be associated with disease. The following publications have been ascertained in the context of this evaluation (PMID: 26358404, 24733792). ClinVar contains an entry for this variant (Variation ID: 220019). Based on the evidence outlined above, the variant was classified as pathogenic.

Genetic Services Laboratory, University of Chicago
Classification: Likely pathogenic. Last evaluated: 2024-08-15. Review status: criteria provided, single submitter. Criteria: ACMG Guidelines, 2015. Collection method: clinical testing. Allele origin: germline. Affected: yes.
Comment: DNA sequence analysis of the BLM gene demonstrated a sequence change in the canonical splice donor site of intron 18, c.3558+1G>T. This sequence change has been previously described in individuals with Bloom syndrome (Bloom syndrome registry, PMID: 17407155). It has also been described in published literature in individuals with other cancers including colorectal, breast and/or ovarian cancer (PMID: 24733792, 26358404, 34767783, 26786923). This sequence change has been described in the gnomAD database at a population frequency of 0.0073% in the European subpopulation (dbSNP rs148969222). This sequence change is predicted to affect normal splicing of the BLM gene and result in an abnormal protein. This sequence change is likely pathogenic, however functional studies have not been performed to prove this conclusively.

Fulgent Genetics
Classification: Likely pathogenic for Bloom syndrome. Last evaluated: 2024-06-07. Review status: criteria provided, single submitter. Criteria: ACMG Guidelines, 2015. Collection method: clinical testing. Allele origin: germline.

Baylor Genetics
Classification: Likely pathogenic for Bloom syndrome. Last evaluated: 2024-03-15. Review status: criteria provided, single submitter. Criteria: ACMG Guidelines, 2015. Collection method: clinical testing. Allele origin: unknown.

Ambry Genetics
Classification: Likely pathogenic for Hereditary cancer-predisposing syndrome. Last evaluated: 2023-11-17. Review status: criteria provided, single submitter. Criteria: Ambry Variant Classification Scheme 2023. Collection method: clinical testing. Allele origin: germline.
Comment: The c.3558+1G>T intronic variant results from a G to T substitution one nucleotide after coding exon 17 of the BLM gene. In a case-control study, this variant was identified in 1/2000 individuals with breast or ovarian cancer and in 0/1997 cancer-free controls (Thompson ER et al. J. Clin. Oncol. 2016 May;34:1455-9). This nucleotide position is highly conserved in available vertebrate species. In silico splice site analysis predicts that this alteration will weaken the native splice donor site; however, direct evidence is insufficient at this time (Ambry internal data). Alterations that disrupt the canonical splice site are expected to cause aberrant splicing, resulting in an abnormal protein or a transcript that is subject to nonsense-mediated mRNA decay. As such, this alteration is classified as likely pathogenic.

Quest Diagnostics Nichols Institute San Juan Capistrano
Classification: Pathogenic. Last evaluated: 2022-11-10. Review status: criteria provided, single submitter. Criteria: Quest Diagnostics criteria. Collection method: clinical testing. Allele origin: unknown.
Comment: This variant disrupts a canonical splice-donor site and interferes with normal BLM mRNA splicing. The frequency of this variant in the general population, 0.000039 (5/128912 chromosomes), is consistent with pathogenicity. In the published literature, the variant has been reported in individuals with breast cancer (PMIDs: 36315097 (2022), 26786923 (2016), 24733792 (2014)) and colorectal cancer (PMIDs: 34767783 (2022), 26358404 (2015)). Based on the available information, this variant is classified as pathogenic.

GeneDx
Classification: Pathogenic. Last evaluated: 2022-06-21. Review status: criteria provided, single submitter. Criteria: GeneDx Variant Classification Process June 2021. Collection method: clinical testing. Allele origin: germline. Affected: yes.
Comment: Canonical splice site variant predicted to result in a null allele in a gene for which loss of function is a known mechanism of disease; Not observed at significant frequency in large population cohorts (gnomAD); This variant is associated with the following publications: (PMID: 26358404, 26247052, 24733792, 34767783, 34352413)

Revvity Omics, Revvity
Classification: Pathogenic for Bloom syndrome. Last evaluated: 2021-12-17. Review status: criteria provided, single submitter. Criteria: ACMG Guidelines, 2015. Collection method: clinical testing. Allele origin: germline.

Myriad Genetics, Inc.
Classification: Likely pathogenic for Bloom syndrome. Last evaluated: 2021-11-03. Review status: criteria provided, single submitter. Criteria: Myriad Women's Health Autosomal Recessive and X-Linked Classification Criteria (2021). Collection method: clinical testing. Allele origin: unknown.
Comment: NM_000057.3(BLM):c.3558+1G>T is a canonical splice variant classified as likely pathogenic in the context of Bloom syndrome. c.3558+1G>T has been observed in cases with relevant disease (PMID: Hopman_2013_(no PMID; article). Functional assessments of this variant are not available in the literature. c.3558+1G>T has been observed in population frequency databases (gnomAD: AFR 0.01%). In summary, NM_000057.3(BLM):c.3558+1G>T is a canonical splice variant in a gene where loss of function is a known mechanism of disease and is predicted to disrupt protein function. Please note: this variant was assessed in the context of healthy population screening.

Clinical Genetics DNA and cytogenetics Diagnostics Lab, Erasmus MC, Erasmus Medical Center
Classification: Pathogenic. Review status: no assertion criteria provided. Collection method: clinical testing. Allele origin: germline. Affected: yes. Study: VKGL Data-share Consensus. Not counted in ClinVar's aggregate classification.

Joint Genome Diagnostic Labs from Nijmegen and Maastricht, Radboudumc and MUMC+
Classification: Pathogenic. Review status: no assertion criteria provided. Collection method: clinical testing. Allele origin: germline. Affected: yes. Study: VKGL Data-share Consensus. Not counted in ClinVar's aggregate classification.

Literature cited by the submitters: PubMed 17407155 (cited by 3 submitters); PubMed 34352413 (cited by Natera, Inc.); PubMed 24733792 (cited by 3 submitters); PubMed 26358404 (cited by 3 submitters); PubMed 26247052 (cited by Ambry Genetics and Quest Diagnostics Nichols Institute San Juan Capistrano); PubMed 26786923 (cited by Ambry Genetics and Quest Diagnostics Nichols Institute San Juan Capistrano); PubMed 34767783 (cited by Quest Diagnostics Nichols Institute San Juan Capistrano); PubMed 36315097 (cited by Quest Diagnostics Nichols Institute San Juan Capistrano).